The following is an entry in ClinVar:

ClinVar aggregate classification (germline): Uncertain significance (1 of 4 stars; one submission).

Allele frequency attached by ClinVar (database versions not stated): gnomAD exomes below 0.00001.
gnomAD v4.1: 6 of 1,588,934 alleles (0.00038%); highest among the groups gnomAD compares: East Asian, 0.0023%; no homozygotes.

Submission:

Labcorp Genetics (formerly Invitae), Labcorp
Classification: Uncertain significance. Last evaluated: 2023-09-10. Review status: criteria provided, single submitter. Criteria: Invitae Variant Classification Sherloc (09022015). Collection method: clinical testing. Allele origin: germline.
Comment: Experimental studies have shown that this missense change affects CLCN7 function (PMID: 33125761). In summary, the available evidence is currently insufficient to determine the role of this variant in disease. Therefore, it has been classified as a Variant of Uncertain Significance. An algorithm developed to predict the effect of missense changes on protein structure and function (PolyPhen-2) suggests that this variant is likely to be disruptive. ClinVar contains an entry for this variant (Variation ID: 1974043). This missense change has been observed in individual(s) with autosomal recessive osteopetrosis (PMID: 33125761). This variant is not present in population databases (gnomAD no frequency). This sequence change replaces arginine, which is basic and polar, with cysteine, which is neutral and slightly polar, at codon 791 of the CLCN7 protein (p.Arg791Cys).

Literature cited by the submitters: PubMed 33125761.

NM_001287.6(CLCN7):c.2371C>T (p.Arg791Cys)

Gene: CLCN7 (chloride voltage-gated channel 7; minus strand). Cytogenetic location: 16p13.3.
Variant type: single nucleotide variant.
Coding change: c.2371C>T on transcript NM_001287.6 (MANE Select); coding-DNA position 2371, C replaced by T.
Protein change: p.Arg791Cys; replaces arginine 791 with cysteine.
Molecular consequence: missense variant.
Genome position (GRCh38, 1-based): chr16:1,446,678, G>A on the plus strand (C>T on the coding strand, the complement: CLCN7 is on the minus strand). VCF-style: chr16-1446678-G-A. GRCh37 (hg19) VCF-style: chr16-1496679-G-A.
Other names: c.2299C>T, p.Arg767Cys (NM_001114331.3); short protein forms R791C, R767C.
Identifiers: ClinVar variation 1974043 (VCV001974043.5), dbSNP rs761881885, ClinGen allele CA394184778.
Genomic context (GRCh38, chr16:1,446,678, plus strand): 5'-GCAGGGCTGGGCCTCACGTCTGGGCCAGCGAGAGCTCCTCCAAGCCTCTCTTTCCCAGGC[G>A]GTACCTGGCGAGGTCCTTCCTGGTCACCAACCCGACAACCTGCAGGACAAGTCCAGGCCA-3'
Protein context (NP_001278.1, residues 781-801): LVTRKDLARY[Arg791Cys]LGKRGLEELS